The following is an entry in ClinVar:

ClinVar aggregate classification (germline): Uncertain significance (1 of 4 stars; one submission).

Conditions:
MC3R-related disorder. Also called: MC3R-related condition.

Submission:

PreventionGenetics, part of Exact Sciences
Classification: Uncertain significance for MC3R-related condition. Last evaluated: 2026-04-10. Review status: criteria provided, single submitter. Criteria: ACMG Guidelines, 2015. Collection method: clinical testing. Allele origin: germline.
Comment: The MC3R c.97G>A variant is predicted to result in the amino acid substitution p.Ala33Thr. This variant (also known as p.Ala70Thr) has been reported in at least two individuals with severe obesity, one of which inherited the variant from their mother with mild obesity (Lee et al. 2007. PubMed ID: 17639020; Ong et al. 2024. PubMed ID: 37820740). Functional studies are conflicting in that some indicate a reduction in receptor signaling activity and decreased cell surface expression due to misfolding, while others show signaling activity similar to wild-type (Lee et al. 2007. PubMed ID: 17639020; Yang et al. 2012. PubMed ID: 22884546; Ong et al. 2024. PubMed ID: 37820740). This variant is reported in 0.022% of alleles in individuals of East Asian descent in gnomAD. At this time, the clinical significance of this variant is uncertain due to the absence of conclusive functional and genetic evidence.

NM_019888.3(MC3R):c.97G>A (p.Ala33Thr)

Gene: MC3R (melanocortin 3 receptor; plus strand). Cytogenetic location: 20q13.2.
Variant type: single nucleotide variant.
Coding change: c.97G>A on transcript NM_019888.3 (MANE Select); coding-DNA position 97, G replaced by A.
Protein change: p.Ala33Thr; replaces alanine 33 with threonine.
Molecular consequence: missense variant.
Genome position (GRCh38, 1-based): chr20:56,248,940, G>A. VCF-style: chr20-56248940-G-A. GRCh37 (hg19) VCF-style: chr20-54823996-G-A.
Other names: short protein forms A33T.
Identifiers: ClinVar variation 4990732 (VCV004990732.1).